The following is an entry in ClinVar:

NM_001371279.1(REEP1):c.*1257C>T

Gene: REEP1 (receptor accessory protein 1; minus strand). Cytogenetic location: 2p11.2.
Variant type: single nucleotide variant.
Coding change: c.*1257C>T on transcript NM_001371279.1 (MANE Select); 1257 bases downstream of the stop codon, C replaced by T.
Molecular consequence: 3 prime UTR variant.
Genome position (GRCh38, 1-based): chr2:86,215,782, G>A on the plus strand (C>T on the coding strand, the complement: REEP1 is on the minus strand). VCF-style: chr2-86215782-G-A. GRCh37 (hg19) VCF-style: chr2-86442905-G-A.
Other names: c.*1318C>T (NM_001164730.2, NM_001164731.2, NM_022912.3); c.*1257C>T (NM_001164732.2, NM_001371280.1).
Identifiers: ClinVar variation 337373 (VCV000337373.7), dbSNP rs12328643, ClinGen allele CA10616409.

ClinVar aggregate classification (germline): Benign. Review status: criteria provided, multiple submitters, no conflicts (2 of 4 stars). 2 submissions from 2 submitters: Benign (2). Last evaluated 2021-03-17.

Conditions:
Hereditary spastic paraplegia 31. Also called: SPASTIC PARAPLEGIA 31, AUTOSOMAL DOMINANT. Identifiers: Orphanet 101011, MedGen C1853247, MONDO:0012453, OMIM 610250.

Allele frequency attached by ClinVar (database versions not stated): gnomAD 0.03924 and 0.04200; 1000 Genomes Project 0.04213; TOPMed 0.04439; 1000 Genomes Project 30x 0.04497.

Submissions (2):

GeneDx
Classification: Benign. Last evaluated: 2021-03-17. Review status: criteria provided, single submitter. Criteria: GeneDx Variant Classification Process June 2021. Collection method: clinical testing. Allele origin: germline. Affected: yes.

Illumina Laboratory Services, Illumina
Classification: Benign for Hereditary spastic paraplegia 31. Last evaluated: 2017-04-27. Review status: criteria provided, single submitter. Criteria: ICSL Variant Classification Criteria 13 December 2019. Collection method: clinical testing. Allele origin: germline.
Comment: This variant was observed as part of a predisposition screen in an ostensibly healthy population. A literature search was performed for the gene, cDNA change, and amino acid change (where applicable). No publications were found based on this search. Allele frequency data from public databases was too high to be consistent with this variant causing disease. Therefore, this variant is classified as benign.